The following is an entry in ClinVar:

ClinVar aggregate classification (germline): Conflicting classifications of pathogenicity. Review status: criteria provided, conflicting classifications (1 of 4 stars). 3 submissions from 3 submitters: Uncertain significance (1); Likely benign (2). Last evaluated 2026-06-30.

Conditions:
IFT80-related disorder. Also called: IFT80-related condition.
Asphyxiating thoracic dystrophy 2 (SRTD2). Also called: SHORT-RIB THORACIC DYSPLASIA 2 WITH OR WITHOUT POLYDACTYLY; SHORT-RIB THORACIC DYSPLASIA 2 WITH POLYDACTYLY; SHORT-RIB THORACIC DYSPLASIA 2 WITHOUT POLYDACTYLY. Identifiers: Orphanet 474, MedGen C1970005, MONDO:0012644, OMIM 611263.
Jeune thoracic dystrophy. Also called: Short-rib thoracic dysplasia; Jeune syndrome; Infantile thoracic dystrophy; Thoracic pelvic phalangeal dystrophy; Jeune's syndrome; Chondroectodermal dysplasia-like syndrome. Identifiers: Orphanet 474, MedGen C0265275, MONDO:0018770.

Allele frequency attached by ClinVar (database versions not stated): gnomAD exomes 0.00003 and 0.00014; gnomAD 0.00005 and 0.00007; TOPMed 0.00006; ExAC 0.00018.
gnomAD v4.1: 54 of 1,610,328 alleles (0.0034%); highest among the groups gnomAD compares: East Asian, 0.098%; no homozygotes.

Submissions (4):

PreventionGenetics, part of Exact Sciences
Classification: Likely benign for IFT80-related condition. Last evaluated: 2026-06-30. Review status: criteria provided, single submitter. Criteria: ACMG Guidelines, 2015. Collection method: clinical testing. Allele origin: germline.
Comment: This variant is classified as likely benign based on ACMG/AMP sequence variant interpretation guidelines (Richards et al. 2015 PMID: 25741868, with internal and published modifications).

Labcorp Genetics (formerly Invitae), Labcorp
Classification: Likely benign for Jeune thoracic dystrophy. Last evaluated: 2025-06-24. Review status: criteria provided, single submitter. Criteria: Invitae Variant Classification Sherloc (09022015). Collection method: clinical testing. Allele origin: germline.

Fulgent Genetics
Classification: Uncertain significance for Asphyxiating thoracic dystrophy 2. Last evaluated: 2024-06-13. Review status: criteria provided, single submitter. Criteria: ACMG Guidelines, 2015. Collection method: clinical testing. Allele origin: germline.

Dr. Peter K. Rogan Lab, Western University
No classification provided (evidence only). Condition: Clear cell carcinoma of kidney. Review status: no classification provided. Collection method: in vitro. Allele origin: not applicable. Functional consequence: retained intron. Not counted in ClinVar's aggregate classification.

NM_020800.3(IFT80):c.2099+4A>G

Genes: IFT80 (intraflagellar transport 80; minus strand), TRIM59-IFT80 (TRIM59-IFT80 readthrough (NMD candidate); minus strand). Cytogenetic location: 3q25.33.
Variant type: single nucleotide variant.
Coding change: c.2099+4A>G on transcript NM_020800.3 (MANE Select); 4 bases into the intron after coding-DNA position 2099, A replaced by G.
Molecular consequence: intron variant.
Genome position (GRCh38, 1-based): chr3:160,277,302, T>C on the plus strand (A>G on the coding strand, the complement: IFT80 is on the minus strand). VCF-style: chr3-160277302-T-C. GRCh37 (hg19) VCF-style: chr3-159995090-T-C.
Other names: c.1688+4A>G (NM_001190241.2, NM_001190242.2).
Identifiers: ClinVar variation 696240 (VCV000696240.13), dbSNP rs754398043, ClinGen allele CA2684979.
Genomic context (GRCh38, chr3:160,277,302, plus strand): 5'-GGTAGATGGAAAAATACATTAAGGTCAAACAGATTTTGGAACTGATGGAAAGCATTCTTA[T>C]TACCTTTCCCAGTTGTAGAGATTAATATTGATCTGGATTGCTTGATAAACAAGGCCAGCC-3'